The following is an entry in ClinVar:

NM_014915.3(ANKRD26):c.5010A>G (p.Glu1670=)

Gene: ANKRD26 (ankyrin repeat domain 26; minus strand). Cytogenetic location: 10p12.1.
Variant type: single nucleotide variant.
Coding change: c.5010A>G on transcript NM_014915.3 (MANE Select); coding-DNA position 5010, A replaced by G.
Protein change: p.Glu1670=; no amino-acid change (glutamic acid 1670 retained).
Molecular consequence: synonymous variant.
Genome position (GRCh38, 1-based): chr10:27,005,713, T>C on the plus strand (A>G on the coding strand, the complement: ANKRD26 is on the minus strand). VCF-style: chr10-27005713-T-C. GRCh37 (hg19) VCF-style: chr10-27294642-T-C.
Other names: c.5007A>G, p.Glu1669= (NM_001256053.2).
Identifiers: ClinVar variation 3365042 (VCV003365042.4).
Genomic context (GRCh38, chr10:27,005,713, plus strand): 5'-TTGATTTAGATTTGACTCATCAGTAGACCCTAGAGGGGAAGCTATTGATCCAGATTCCAA[T>C]TCAGCAGCAGCTAGAATGAAAAAGAAAGAATTATATTCCTTACCTAAAAGATTTCATAGT-3'
Protein context (NP_055730.2, residues 1660-1680): ITRELKEAAA[Glu1670=]LESGSIASPL

ClinVar aggregate classification (germline): Conflicting classifications of pathogenicity. Review status: criteria provided, conflicting classifications (1 of 4 stars). 4 submissions from 4 submitters: Uncertain significance (1); Likely benign (3). Last evaluated 2026-01-12.

Conditions:
Inborn genetic diseases. Identifiers: MedGen C0950123, MeSH D030342.

gnomAD v4.1: 24 of 1,609,106 alleles (0.0015%); highest among the groups gnomAD compares: Non-Finnish European, 0.0019%; no homozygotes.

Submissions (4):

Labcorp Genetics (formerly Invitae), Labcorp
Classification: Likely benign. Last evaluated: 2026-01-12. Review status: criteria provided, single submitter. Criteria: Invitae Variant Classification Sherloc (09022015). Collection method: clinical testing. Allele origin: germline.

Ambry Genetics
Classification: Likely benign for Inborn genetic diseases. Last evaluated: 2025-03-06. Review status: criteria provided, single submitter. Criteria: Ambry Variant Classification Scheme 2023. Collection method: clinical testing. Allele origin: germline.

Blueprint Genetics
Classification: Likely benign. Last evaluated: 2023-12-16. Review status: criteria provided, single submitter. Criteria: ACMG Guidelines, 2015. Collection method: clinical testing. Allele origin: germline.

GeneDx
Classification: Uncertain significance. Last evaluated: 2023-11-30. Review status: criteria provided, single submitter. Criteria: GeneDx Variant Classification Process June 2021. Collection method: clinical testing. Allele origin: germline. Affected: yes.
Comment: Not observed at significant frequency in large population cohorts (gnomAD); In silico analysis supports that this variant does not alter splicing; Has not been previously published as pathogenic or benign to our knowledge